The following is an entry in ClinVar:

NM_032608.7(MYO18B):c.6266C>A (p.Ser2089Tyr)

Gene: MYO18B (myosin XVIIIB; plus strand). Cytogenetic location: 22q12.1.
Variant type: single nucleotide variant.
Coding change: c.6266C>A on transcript NM_032608.7 (MANE Select); coding-DNA position 6266, C replaced by A.
Protein change: p.Ser2089Tyr; replaces serine 2089 with tyrosine.
Molecular consequence: missense variant.
Genome position (GRCh38, 1-based): chr22:25,992,472, C>A. VCF-style: chr22-25992472-C-A. GRCh37 (hg19) VCF-style: chr22-26388438-C-A.
Other names: c.6269C>A, p.Ser2090Tyr (NM_001318245.2); short protein forms S2089Y, S2090Y.
Identifiers: ClinVar variation 3684375 (VCV003684375.2).

ClinVar aggregate classification (germline): Uncertain significance (1 of 4 stars; one submission).

Submission:

Labcorp Genetics (formerly Invitae), Labcorp
Classification: Uncertain significance. Last evaluated: 2024-09-04. Review status: criteria provided, single submitter. Criteria: Invitae Variant Classification Sherloc (09022015). Collection method: clinical testing. Allele origin: germline.
Comment: This sequence change replaces serine, which is neutral and polar, with tyrosine, which is neutral and polar, at codon 2089 of the MYO18B protein (p.Ser2089Tyr). This variant is not present in population databases (gnomAD no frequency). This variant has not been reported in the literature in individuals affected with MYO18B-related conditions. An algorithm developed to predict the effect of missense changes on protein structure and function (PolyPhen-2) suggests that this variant is likely to be disruptive. In summary, the available evidence is currently insufficient to determine the role of this variant in disease. Therefore, it has been classified as a Variant of Uncertain Significance.